The following is an entry in ClinVar:

ClinVar aggregate classification (germline): Likely pathogenic (1 of 4 stars; one submission).

Conditions:
Recessive dystrophic epidermolysis bullosa (RDEB). Also called: Hallopeau-Siemens Disease; DYSTROPHIC EPIDERMOLYSIS BULLOSA, AUTOSOMAL RECESSIVE; EPIDERMOLYSIS BULLOSA DYSTROPHICA, HALLOPEAU-SIEMENS TYPE; EPIDERMOLYSIS BULLOSA DYSTROPHICA, GENERALIZED SEVERE, AUTOSOMAL RECESSIVE; epidermolysis bullosa dystrophica, autosomal recessive; Recessive DEB (RDEB). Identifiers: Orphanet 79408, Orphanet 79409, MedGen C0079474, MONDO:0009179, OMIM 226600.

Submission:

3billion
Classification: Likely pathogenic for Recessive dystrophic epidermolysis bullosa. Last evaluated: 2022-09-01. Review status: criteria provided, single submitter. Criteria: ACMG Guidelines, 2015. Collection method: clinical testing. Allele origin: germline. Affected: yes. Observed: 1 homozygote.
Comment: The variant is not observed in the gnomAD v2.1.1 dataset. In silico tool predictions suggest damaging effect of the variant on gene or gene product (REVEL: 0.97; 3Cnet: 0.89). Same nucleotide change resulting in same amino acid change has been previously reported to be associated with COL7A1 -related disorder (PMID: 29512197). The variant has been reported to be in trans with a pathogenic variant as either compound heterozygous or homozygous in at least one similarly affected unrelated individual (PMID: 29512197). Therefore, this variant is classified as Likely pathogenic according to the recommendation of ACMG/AMP guideline.

Literature cited by the submitters: PubMed 29512197.

NM_000094.4(COL7A1):c.8075G>A (p.Gly2692Asp)

Gene: COL7A1 (collagen type VII alpha 1 chain; minus strand). Cytogenetic location: 3p21.31.
Variant type: single nucleotide variant.
Coding change: c.8075G>A on transcript NM_000094.4 (MANE Select); coding-DNA position 8075, G replaced by A.
Protein change: p.Gly2692Asp; replaces glycine 2692 with aspartic acid.
Molecular consequence: missense variant.
Genome position (GRCh38, 1-based): chr3:48,567,162, C>T on the plus strand (G>A on the coding strand, the complement: COL7A1 is on the minus strand). VCF-style: chr3-48567162-C-T. GRCh37 (hg19) VCF-style: chr3-48604595-C-T.
Other names: short protein forms G2692D.
Identifiers: ClinVar variation 1705398 (VCV001705398.1), dbSNP rs2043644681, ClinGen allele CA352640627.
Genomic context (GRCh38, chr3:48,567,162, plus strand): 5'-TCACCATGACCATGGCTTCAACTCACCCGCTCCCCTTTCTCGCCCTGGTCACCCTTGGGG[C>T]CTGGCTGCCCGTCAAAGCCTCGGTCACCCTGGGAACAGAAGAAGCATGAGAGACCTTCTG-3'
Protein context (NP_000085.1, residues 2682-2702): KGDRGFDGQP[Gly2692Asp]PKGDQGEKGE